The following is an entry in ClinVar:

NM_001083116.3(PRF1):c.1560C>T (p.Arg520=)

Gene: PRF1 (perforin 1; minus strand). Cytogenetic location: 10q22.1.
Variant type: single nucleotide variant.
Coding change: c.1560C>T on transcript NM_001083116.3 (MANE Select); coding-DNA position 1560, C replaced by T.
Protein change: p.Arg520=; no amino-acid change (arginine 520 retained).
Molecular consequence: synonymous variant.
Genome position (GRCh38, 1-based): chr10:70,598,161, G>A on the plus strand (C>T on the coding strand, the complement: PRF1 is on the minus strand). VCF-style: chr10-70598161-G-A. GRCh37 (hg19) VCF-style: chr10-72357917-G-A.
Other names: c.1560C>T, p.Arg520= (NM_005041.6); c.1560C>T (NM_005041.4).
Identifiers: ClinVar variation 468302 (VCV000468302.15), dbSNP rs147087107, ClinGen allele CA5538722.

ClinVar aggregate classification (germline): Benign/Likely benign. Review status: criteria provided, multiple submitters, no conflicts (2 of 4 stars). 4 submissions from 4 submitters: Benign (2); Likely benign (1). 1 of the submissions does not count toward it. Last evaluated 2026-01-28.

Conditions:
Lymphoma, non-Hodgkin, familial. Identifiers: MedGen C4721532, MONDO:0011508, OMIM 605027.
PRF1-related disorder. Also called: PRF1-related condition.
Familial hemophagocytic lymphohistiocytosis 2 (FHL2). Also called: PRF1-Related Familial Hemophagocytic Lymphohistiocytosis (PRF1-fHLH). Identifiers: Orphanet 540, MedGen C1863727, MONDO:0011337, OMIM 603553.

Allele frequency attached by ClinVar (database versions not stated): gnomAD exomes 0.00041; ExAC 0.00051; 1000 Genomes Project 0.00140; 1000 Genomes Project 30x 0.00141; gnomAD 0.00166 and 0.00175; TOPMed 0.00187; ESP Exome Variant Server 0.00215.

Submissions (4):

Labcorp Genetics (formerly Invitae), Labcorp
Classification: Benign for Familial hemophagocytic lymphohistiocytosis 2. Last evaluated: 2026-01-28. Review status: criteria provided, single submitter. Criteria: Invitae Variant Classification Sherloc (09022015). Collection method: clinical testing. Allele origin: germline.

Blueprint Genetics
Classification: Likely benign. Last evaluated: 2024-06-06. Review status: criteria provided, single submitter. Criteria: ACMG Guidelines, 2015. Collection method: clinical testing. Allele origin: germline.

KCCC/NGS Laboratory, Kuwait Cancer Control Center
Classification: Benign for Lymphoma, non-Hodgkin, familial. Last evaluated: 2023-07-07. Review status: criteria provided, single submitter. Criteria: ACMG Guidelines, 2015. Collection method: clinical testing. Allele origin: germline. Affected: yes.

PreventionGenetics, part of Exact Sciences
Classification: Likely benign for PRF1-related condition. Last evaluated: 2019-03-20. Review status: no assertion criteria provided. Collection method: clinical testing. Allele origin: germline. Not counted in ClinVar's aggregate classification.
Comment: This variant is classified as likely benign based on ACMG/AMP sequence variant interpretation guidelines (Richards et al. 2015 PMID: 25741868, with internal and published modifications).